The following is an entry in ClinVar:

ClinVar aggregate classification (germline): Conflicting classifications of pathogenicity. Review status: criteria provided, conflicting classifications (1 of 4 stars). 12 submissions from 12 submitters: Uncertain significance (1); Benign (7); Likely benign (1). 3 of the submissions do not count toward it. Last evaluated 2026-02-01.

Conditions:
Inborn genetic diseases. Identifiers: MedGen C0950123, MeSH D030342.
Rubinstein-Taybi syndrome (RSTS). Identifiers: Orphanet 783, MedGen C0035934, MONDO:0019188.
Rubinstein-Taybi syndrome due to CREBBP mutations (RSTS1). Also called: RUBINSTEIN-TAYBI SYNDROME 1, INCOMPLETE; RUBINSTEIN SYNDROME; CREBBP-Related Rubinstein-Taybi Syndrome; BROAD THUMB-HALLUX SYNDROME; Rubinstein-Taybi syndrome 1; BROAD THUMBS AND GREAT TOES, CHARACTERISTIC FACIES, AND IMPAIRED INTELLECTUAL DEVELOPMENT. Identifiers: Orphanet 353277, Orphanet 783, MedGen C4551859, MONDO:0008393, OMIM 180849.

Allele frequency attached by ClinVar (database versions not stated): gnomAD 0.00715 and 0.00761; 1000 Genomes Project 0.00639; ExAC 0.01003; gnomAD exomes 0.01028 and 0.00978; ESP Exome Variant Server 0.00870; 1000 Genomes Project 30x 0.00656; TOPMed 0.00774.
gnomAD v4.1: 15,704 of 1,613,964 alleles (0.97%); highest among the groups gnomAD compares: Middle Eastern, 3.7%; 153 homozygotes.

Submissions (12):

Labcorp Genetics (formerly Invitae), Labcorp
Classification: Benign for Rubinstein-Taybi syndrome. Last evaluated: 2026-02-01. Review status: criteria provided, single submitter. Criteria: Invitae Variant Classification Sherloc (09022015). Collection method: clinical testing. Allele origin: germline.

Genomic Medicine Center of Excellence, King Faisal Specialist Hospital and Research Centre
Classification: Likely benign for Rubinstein-Taybi syndrome due to CREBBP mutations. Last evaluated: 2025-07-30. Review status: criteria provided, single submitter. Criteria: ACMG Guidelines, 2015. Collection method: clinical testing. Allele origin: germline.

Mayo Clinic Laboratories, Mayo Clinic
Classification: Benign. Last evaluated: 2022-03-09. Review status: criteria provided, single submitter. Criteria: ACMG Guidelines, 2015. Collection method: clinical testing. Allele origin: germline. Observed: 1 variant allele.

GeneDx
Classification: Benign. Last evaluated: 2018-01-30. Review status: criteria provided, single submitter. Criteria: GeneDx Variant Classification (06012015). Collection method: clinical testing. Allele origin: germline. Affected: yes.
Comment: This variant is considered likely benign or benign based on one or more of the following criteria: it is a conservative change, it occurs at a poorly conserved position in the protein, it is predicted to be benign by multiple in silico algorithms, and/or has population frequency not consistent with disease.

Center for Pediatric Genomic Medicine, Children's Mercy Hospital and Clinics
Classification: Benign. Last evaluated: 2016-11-04. Review status: criteria provided, single submitter. Criteria: ACMG Guidelines, 2015. Collection method: clinical testing. Allele origin: germline.

Ambry Genetics
Classification: Benign for Inborn genetic diseases. Last evaluated: 2016-04-27. Review status: criteria provided, single submitter. Criteria: Ambry Variant Classification Scheme 2023. Collection method: clinical testing. Allele origin: germline.

Genomic Diagnostic Laboratory, Division of Genomic Diagnostics, Children's Hospital of Philadelphia
Classification: Uncertain significance. Last evaluated: 2014-12-31. Review status: criteria provided, single submitter. Criteria: DGD Variant Analysis Guidelines. Collection method: clinical testing. Allele origin: unknown.

Eurofins Ntd Llc (ga)
Classification: Benign. Last evaluated: 2013-03-18. Review status: criteria provided, single submitter. Criteria: EGL Classification Definitions 2015. Collection method: clinical testing. Allele origin: germline. Observed: 1 variant allele, 1 heterozygote.

Genetic Services Laboratory, University of Chicago
Classification: Benign. Last evaluated: 2013-02-08. Review status: criteria provided, single submitter. Criteria: ACMG Guidelines, 2007. Collection method: clinical testing. Allele origin: germline. Inheritance: Autosomal dominant inheritance.

ITMI
No classification provided. Condition: AllHighlyPenetrant. Last evaluated: 2013-09-19. Review status: no classification provided. Collection method: reference population. Allele origin: germline. Not counted in ClinVar's aggregate classification.
Comment: Please see associated publication for description of ethnicities

Clinical Genetics DNA and cytogenetics Diagnostics Lab, Erasmus MC, Erasmus Medical Center
Classification: Benign. Review status: no assertion criteria provided. Collection method: clinical testing. Allele origin: germline. Affected: yes. Study: VKGL Data-share Consensus. Not counted in ClinVar's aggregate classification.

Laboratory of Diagnostic Genome Analysis, Leiden University Medical Center (LUMC)
Classification: Likely benign. Review status: no assertion criteria provided. Collection method: clinical testing. Allele origin: germline. Affected: yes. Study: VKGL Data-share Consensus. Not counted in ClinVar's aggregate classification.

Literature cited by the submitters: PubMed 24728327 (cited by ITMI).

NM_004380.3(CREBBP):c.1651C>A (p.Leu551Ile)

Gene: CREBBP (CREB binding lysine acetyltransferase; minus strand). Cytogenetic location: 16p13.3.
Variant type: single nucleotide variant.
Coding change: c.1651C>A on transcript NM_004380.3 (MANE Select); coding-DNA position 1651, C replaced by A.
Protein change: p.Leu551Ile; replaces leucine 551 with isoleucine.
Molecular consequence: missense variant.
Genome position (GRCh38, 1-based): chr16:3,781,229, G>T on the plus strand (C>A on the coding strand, the complement: CREBBP is on the minus strand). VCF-style: chr16-3781229-G-T. GRCh37 (hg19) VCF-style: chr16-3831230-G-T.
Other names: c.1537C>A, p.Leu513Ile (NM_001079846.1); short protein forms L551I, L513I.
Identifiers: ClinVar variation 95026 (VCV000095026.26), dbSNP rs61753381, ClinGen allele CA248673.